The following is an entry in ClinVar:

NM_006269.2(RP1):c.6122dup (p.Leu2041fs)

Gene: RP1 (RP1 axonemal microtubule associated; plus strand). Cytogenetic location: 8q12.1.
Variant type: Duplication.
Coding change: c.6122dup on transcript NM_006269.2 (MANE Select); coding-DNA position 6122, one base duplicated (T; older notation c.6122dupT).
Protein change: p.Leu2041fs; shifts the reading frame from leucine 2041.
Molecular consequence: frameshift variant. On other transcripts: intron variant (1).
Genome position (GRCh38, 1-based): chr8:54,630,004, T duplicated; the last of 2 consecutive T bases (chr8:54,630,003-54,630,004); duplicating either gives the same sequence. VCF-style (leftmost placement, unchanged base first): chr8-54630002-A-AT. GRCh37 (hg19) VCF-style: chr8-55542562-A-AT.
Other names: c.787+7716dup (NM_001375654.1); short protein forms L2041fs.
Identifiers: ClinVar variation 2103289 (VCV002103289.4), dbSNP rs2536592915, ClinGen allele CA2580078404.
Genomic context (GRCh38, chr8:54,630,002, plus strand): 5'-TTTAAAGAAATTTCAACCAGATTTGAAGGAAAGGTTTTGTATGAATTTCTTGCACACATC[A>AT]TTGTTAGTTGTGGGTAATGTGGATTCAAATACACAAGACCTCAGCGGTCAGACAAATGAA-3'

ClinVar aggregate classification (germline): Pathogenic (1 of 4 stars; one submission).

Submission:

Labcorp Genetics (formerly Invitae), Labcorp
Classification: Pathogenic. Last evaluated: 2022-02-25. Review status: criteria provided, single submitter. Criteria: Invitae Variant Classification Sherloc (09022015). Collection method: clinical testing. Allele origin: germline.
Comment: This variant has not been observed in the literature in individuals with autosomal recessive RP1-related conditions. This variant has been reported in individual(s) with autosomal dominant retinitis pigmentosa (Invitae); however, the role of the variant in this condition is currently unclear. This variant is not present in population databases (gnomAD no frequency). This sequence change creates a premature translational stop signal (p.Leu2041Phefs*6) in the RP1 gene. While this is not anticipated to result in nonsense mediated decay, it is expected to disrupt the last 116 amino acid(s) of the RP1 protein. This variant disrupts the C-terminus of the RP1 protein. Many variants that disrupt this region have been reported in individuals with either autosomal dominant or autosomal recessive retinitis pigmentosa (PMID: 11527933, 19933189, 29425069, 30027431). Therefore, variants that disrupt this region are expected to be disease-causing. For these reasons, this variant has been classified as Pathogenic.

Literature cited by the submitters: PubMed 11527933; PubMed 19933189; PubMed 29425069; PubMed 30027431.